The following is an entry in ClinVar:

NM_000047.3(ARSL):c.1550C>T (p.Ser517Leu)

Gene: ARSL (arylsulfatase L; minus strand). Cytogenetic location: Xp22.33.
Variant type: single nucleotide variant.
Coding change: c.1550C>T on transcript NM_000047.3 (MANE Select); coding-DNA position 1550, C replaced by T.
Protein change: p.Ser517Leu; replaces serine 517 with leucine.
Molecular consequence: missense variant.
Genome position (GRCh38, 1-based): chrX:2,935,052, G>A on the plus strand (C>T on the coding strand, the complement: ARSL is on the minus strand). VCF-style: chrX-2935052-G-A. GRCh37 (hg19) VCF-style: chrX-2853093-G-A.
Other names: c.1625C>T, p.Ser542Leu (NM_001282628.2, NM_001369080.1); c.1388C>T, p.Ser463Leu (NM_001282631.2); c.1577C>T, p.Ser526Leu (NM_001369079.1); short protein forms S463L, S517L, S526L, S542L.
Identifiers: ClinVar variation 1343899 (VCV001343899.7), dbSNP rs747699123, ClinGen allele CA10337990.

ClinVar aggregate classification (germline): Uncertain significance. Review status: criteria provided, multiple submitters, no conflicts (2 of 4 stars). 2 submissions from 2 submitters: Uncertain significance (2). Last evaluated 2025-07-01.

Conditions:
Chondrodysplasia punctata, brachytelephalangic, autosomal. Also called: BRACHYTELEPHALANGIC CHONDRODYSPLASIA PUNCTATA. Identifiers: MedGen C1844853, MONDO:0011238, OMIM 602497.

Allele frequency attached by ClinVar (database versions not stated): ExAC 0.00001; gnomAD exomes 0.00001; TOPMed 0.00002; gnomAD 0.00004.
gnomAD v4.1: 8 of 1,209,460 alleles (0.00066%); highest among the groups gnomAD compares: African/African-American, 0.007%; no homozygotes.

Submissions (2):

Labcorp Genetics (formerly Invitae), Labcorp
Classification: Uncertain significance for Chondrodysplasia punctata, brachytelephalangic, autosomal. Last evaluated: 2025-07-01. Review status: criteria provided, single submitter. Criteria: Invitae Variant Classification Sherloc (09022015). Collection method: clinical testing. Allele origin: germline.
Comment: This sequence change replaces serine, which is neutral and polar, with leucine, which is neutral and non-polar, at codon 517 of the ARSE protein (p.Ser517Leu). This variant is present in population databases (rs747699123, gnomAD 0.003%). This variant has not been reported in the literature in individuals affected with ARSE-related conditions. ClinVar contains an entry for this variant (Variation ID: 1343899). Invitae Evidence Modeling of protein sequence and biophysical properties (such as structural, functional, and spatial information, amino acid conservation, physicochemical variation, residue mobility, and thermodynamic stability) indicates that this missense variant is not expected to disrupt ARSE protein function with a negative predictive value of 80%. In summary, the available evidence is currently insufficient to determine the role of this variant in disease. Therefore, it has been classified as a Variant of Uncertain Significance.

GeneDx
Classification: Uncertain significance. Last evaluated: 2021-09-10. Review status: criteria provided, single submitter. Criteria: GeneDx Variant Classification Process June 2021. Collection method: clinical testing. Allele origin: germline. Affected: yes.
Comment: In silico analysis supports that this missense variant has a deleterious effect on protein structure/function; Has not been previously published as pathogenic or benign to our knowledge